The following is an entry in ClinVar:

NM_000553.6(WRN):c.1593dup (p.Pro532fs)

Gene: WRN (WRN RecQ like helicase; plus strand). Cytogenetic location: 8p12.
Variant type: Duplication.
Coding change: c.1593dup on transcript NM_000553.6 (MANE Select); coding-DNA position 1593, one base duplicated (A; older notation c.1593dupA).
Protein change: p.Pro532fs; shifts the reading frame from proline 532.
Molecular consequence: frameshift variant.
Genome position (GRCh38, 1-based): chr8:31,088,906, A duplicated. VCF-style (leftmost placement, unchanged base first): chr8-31088905-C-CA. GRCh37 (hg19) VCF-style: chr8-30946421-C-CA.
Other names: short protein forms P532fs.
Identifiers: ClinVar variation 2858730 (VCV002858730.3), dbSNP rs2535927086, ClinGen allele CA2686836391.

ClinVar aggregate classification (germline): Pathogenic (1 of 4 stars; one submission).

Conditions:
Werner syndrome (WRN). Identifiers: Orphanet 902, MedGen C0043119, MONDO:0010196, OMIM 277700.

Allele frequency attached by ClinVar (database versions not stated): gnomAD exomes below 0.00001.

Submission:

Labcorp Genetics (formerly Invitae), Labcorp
Classification: Pathogenic for Werner syndrome. Last evaluated: 2023-04-24. Review status: criteria provided, single submitter. Criteria: Invitae Variant Classification Sherloc (09022015). Collection method: clinical testing. Allele origin: germline.
Comment: For these reasons, this variant has been classified as Pathogenic. This sequence change creates a premature translational stop signal (p.Pro532Thrfs*3) in the WRN gene. It is expected to result in an absent or disrupted protein product. Loss-of-function variants in WRN are known to be pathogenic (PMID: 16673358). This variant is not present in population databases (gnomAD no frequency). This variant has not been reported in the literature in individuals affected with WRN-related conditions.

Literature cited by the submitters: PubMed 16673358.